The following is an entry in ClinVar:

NM_016816.4(OAS1):c.601C>T (p.Arg201Cys)

Gene: OAS1 (2'-5'-oligoadenylate synthetase 1; plus strand). Cytogenetic location: 12q24.13.
Variant type: single nucleotide variant.
Coding change: c.601C>T on transcript NM_016816.4 (MANE Select); coding-DNA position 601, C replaced by T.
Protein change: p.Arg201Cys; replaces arginine 201 with cysteine.
Molecular consequence: missense variant.
Genome position (GRCh38, 1-based): chr12:112,911,182, C>T. VCF-style: chr12-112911182-C-T. GRCh37 (hg19) VCF-style: chr12-113348987-C-T.
Other names: c.601C>T, p.Arg201Cys (NM_001032409.3, NM_001320151.2, NM_002534.4); short protein forms R201C.
Identifiers: ClinVar variation 1480006 (VCV001480006.9), dbSNP rs753637535, ClinGen allele CA6799826.

ClinVar aggregate classification (germline): Uncertain significance (1 of 4 stars; one submission).

Allele frequency attached by ClinVar (database versions not stated): gnomAD exomes 0.00001; ExAC 0.00002; TOPMed 0.00002; gnomAD 0.00005.
gnomAD v4.1: 46 of 1,613,704 alleles (0.0029%); highest among the groups gnomAD compares: East Asian, 0.016%; no homozygotes.

Submission:

Labcorp Genetics (formerly Invitae), Labcorp
Classification: Uncertain significance. Last evaluated: 2025-10-04. Review status: criteria provided, single submitter. Criteria: Invitae Variant Classification Sherloc (09022015). Collection method: clinical testing. Allele origin: germline.
Comment: This sequence change replaces arginine, which is basic and polar, with cysteine, which is neutral and slightly polar, at codon 201 of the OAS1 protein (p.Arg201Cys). This variant is present in population databases (rs753637535, gnomAD 0.003%). This variant has not been reported in the literature in individuals affected with OAS1-related conditions. ClinVar contains an entry for this variant (Variation ID: 1480006). An algorithm developed to predict the effect of missense changes on protein structure and function (PolyPhen-2) suggests that this variant is likely to be disruptive. In summary, the available evidence is currently insufficient to determine the role of this variant in disease. Therefore, it has been classified as a Variant of Uncertain Significance.